The following is an entry in ClinVar:

ClinVar aggregate classification (germline): Uncertain significance. Review status: criteria provided, multiple submitters, no conflicts (2 of 4 stars). 2 submissions from 2 submitters: Uncertain significance (2). Last evaluated 2023-02-03.

Conditions:
Hereditary cancer-predisposing syndrome. Also called: Neoplastic Syndromes, Hereditary; Tumor predisposition; Hereditary Cancer Syndrome; Hereditary neoplastic syndrome. Identifiers: Orphanet 140162, MedGen C0027672, MeSH D009386, MONDO:0015356.
Familial cancer of breast. Also called: BREAST CANCER, FAMILIAL; hereditary breast carcinoma; Hereditary breast cancer. Identifiers: Orphanet 227535, MedGen C0346153, MONDO:0016419, OMIM 114480. Disease mechanism: loss of function.

Submissions (2):

Ambry Genetics
Classification: Uncertain significance for Hereditary cancer-predisposing syndrome. Last evaluated: 2023-02-03. Review status: criteria provided, single submitter. Criteria: Ambry Variant Classification Scheme 2023. Collection method: clinical testing. Allele origin: germline.
Comment: The p.S52Y variant (also known as c.155C>A), located in coding exon 1 of the CHEK2 gene, results from a C to A substitution at nucleotide position 155. The serine at codon 52 is replaced by tyrosine, an amino acid with dissimilar properties. This amino acid position is conserved. In addition, this alteration is predicted to be deleterious by in silico analysis. Since supporting evidence is limited at this time, the clinical significance of this alteration remains unclear.

Labcorp Genetics (formerly Invitae), Labcorp
Classification: Uncertain significance for Familial cancer of breast. Last evaluated: 2022-01-06. Review status: criteria provided, single submitter. Criteria: Invitae Variant Classification Sherloc (09022015). Collection method: clinical testing. Allele origin: germline.
Comment: ClinVar contains an entry for this variant (Variation ID: 640412). This variant has not been reported in the literature in individuals affected with CHEK2-related conditions. This variant is not present in population databases (gnomAD no frequency). This sequence change replaces serine, which is neutral and polar, with tyrosine, which is neutral and polar, at codon 52 of the CHEK2 protein (p.Ser52Tyr). Algorithms developed to predict the effect of missense changes on protein structure and function are either unavailable or do not agree on the potential impact of this missense change (SIFT: "Deleterious"; PolyPhen-2: "Probably Damaging"; Align-GVGD: "Class C0"). In summary, the available evidence is currently insufficient to determine the role of this variant in disease. Therefore, it has been classified as a Variant of Uncertain Significance.

NM_007194.4(CHEK2):c.155C>A (p.Ser52Tyr)

Gene: CHEK2 (checkpoint kinase 2; minus strand). Cytogenetic location: 22q12.1.
Variant type: single nucleotide variant.
Coding change: c.155C>A on transcript NM_007194.4 (MANE Select); coding-DNA position 155, C replaced by A.
Protein change: p.Ser52Tyr; replaces serine 52 with tyrosine.
Molecular consequence: missense variant.
Genome position (GRCh38, 1-based): chr22:28,734,567, G>T on the plus strand (C>A on the coding strand, the complement: CHEK2 is on the minus strand). VCF-style: chr22-28734567-G-T. GRCh37 (hg19) VCF-style: chr22-29130555-G-T.
Other names: c.155C>A, p.Ser52Tyr (NM_001005735.3, NM_001349956.3, NM_145862.3); c.-623C>A (NM_001257387.3); short protein forms S52Y.
Identifiers: ClinVar variation 640412 (VCV000640412.11), dbSNP rs778214603, ClinGen allele CA411090986.